The following is an entry in ClinVar:

NM_006612.6(KIF1C):c.2902C>A (p.Arg968Ser)

Gene: KIF1C (kinesin family member 1C; plus strand). Cytogenetic location: 17p13.2.
Variant type: single nucleotide variant.
Coding change: c.2902C>A on transcript NM_006612.6 (MANE Select); coding-DNA position 2902, C replaced by A.
Protein change: p.Arg968Ser; replaces arginine 968 with serine.
Molecular consequence: missense variant.
Genome position (GRCh38, 1-based): chr17:5,023,741, C>A. VCF-style: chr17-5023741-C-A. GRCh37 (hg19) VCF-style: chr17-4927036-C-A.
Other names: short protein forms R968S.
Identifiers: ClinVar variation 2159827 (VCV002159827.4), dbSNP rs773411038, ClinGen allele CA397318555.

ClinVar aggregate classification (germline): Uncertain significance (1 of 4 stars; one submission).

Conditions:
Spastic ataxia 2. Also called: Ataxia, spastic, 2, autosomal recessive. Identifiers: Orphanet 397946, MedGen C1969796, MONDO:0012651, OMIM 611302.

Submission:

Labcorp Genetics (formerly Invitae), Labcorp
Classification: Uncertain significance for Spastic ataxia 2. Last evaluated: 2022-08-02. Review status: criteria provided, single submitter. Criteria: Invitae Variant Classification Sherloc (09022015). Collection method: clinical testing. Allele origin: germline.
Comment: This sequence change replaces arginine, which is basic and polar, with serine, which is neutral and polar, at codon 968 of the KIF1C protein (p.Arg968Ser). This variant is not present in population databases (gnomAD no frequency). This variant has not been reported in the literature in individuals affected with KIF1C-related conditions. Algorithms developed to predict the effect of missense changes on protein structure and function are either unavailable or do not agree on the potential impact of this missense change (SIFT: "Deleterious"; PolyPhen-2: "Benign"; Align-GVGD: "Class C0"). In summary, the available evidence is currently insufficient to determine the role of this variant in disease. Therefore, it has been classified as a Variant of Uncertain Significance.